The following is an entry in ClinVar:

ClinVar aggregate classification (germline): Uncertain significance (1 of 4 stars; one submission).

Conditions:
Neurofibromatosis, type 1 (NF1). Also called: Peripheral type neurofibromatosis; VON RECKLINGHAUSEN DISEASE; NEUROFIBROMATOSIS, TYPE I, SOMATIC; Neurofibromatosis, type I. Identifiers: Orphanet 636, MedGen C0027831, MONDO:0018975, OMIM 162200. Disease mechanism: loss of function.

gnomAD v4.1: 1 of 1,609,042 alleles (0.000062%); highest among the groups gnomAD compares: Non-Finnish European, 0.000085%; no homozygotes.

Submission:

Labcorp Genetics (formerly Invitae), Labcorp
Classification: Uncertain significance for Neurofibromatosis, type 1. Last evaluated: 2020-03-31. Review status: criteria provided, single submitter. Criteria: Invitae Variant Classification Sherloc (09022015). Collection method: clinical testing. Allele origin: germline.
Comment: Algorithms developed to predict the effect of missense changes on protein structure and function are either unavailable or do not agree on the potential impact of this missense change (SIFT: "Tolerated"; PolyPhen-2: "Probably Damaging"; Align-GVGD: "Class C0"). In summary, the available evidence is currently insufficient to determine the role of this variant in disease. Therefore, it has been classified as a Variant of Uncertain Significance. This variant has not been reported in the literature in individuals with NF1-related conditions. This variant is not present in population databases (ExAC no frequency). This sequence change replaces leucine with valine at codon 79 of the NF1 protein (p.Leu79Val). The leucine residue is highly conserved and there is a small physicochemical difference between leucine and valine.

NM_001042492.3(NF1):c.235T>G (p.Leu79Val)

Gene: NF1 (neurofibromin 1; plus strand). Cytogenetic location: 17q11.2.
Variant type: single nucleotide variant.
Coding change: c.235T>G on transcript NM_001042492.3 (MANE Select); coding-DNA position 235, T replaced by G.
Protein change: p.Leu79Val; replaces leucine 79 with valine.
Molecular consequence: missense variant.
Genome position (GRCh38, 1-based): chr17:31,159,040, T>G. VCF-style: chr17-31159040-T-G. GRCh37 (hg19) VCF-style: chr17-29486058-T-G.
Other names: c.235T>G, p.Leu79Val (NM_000267.4, NM_001128147.3); short protein forms L79V.
Identifiers: ClinVar variation 956611 (VCV000956611.6), dbSNP rs764855221, ClinGen allele CA398989590.